The following is an entry in ClinVar:

ClinVar aggregate classification (germline): Uncertain significance. Review status: criteria provided, multiple submitters, no conflicts (2 of 4 stars). 2 submissions from 2 submitters: Uncertain significance (2). Last evaluated 2025-02-28.

Conditions:
Hereditary cancer-predisposing syndrome. Also called: Hereditary Cancer Syndrome; Neoplastic Syndromes, Hereditary; Tumor predisposition; Hereditary neoplastic syndrome. Identifiers: Orphanet 140162, MedGen C0027672, MeSH D009386, MONDO:0015356.

Submissions (2):

Ambry Genetics
Classification: Uncertain significance for Hereditary cancer-predisposing syndrome. Last evaluated: 2025-02-28. Review status: criteria provided, single submitter. Criteria: Ambry Variant Classification Scheme 2023. Collection method: clinical testing. Allele origin: germline.
Comment: The p.T437I variant (also known as c.1310C>T), located in coding exon 9 of the RAD50 gene, results from a C to T substitution at nucleotide position 1310. The threonine at codon 437 is replaced by isoleucine, an amino acid with similar properties. This amino acid position is conserved. In addition, this alteration is predicted to be tolerated by in silico analysis. Based on the available evidence, the clinical significance of this variant remains unclear.

Labcorp Genetics (formerly Invitae), Labcorp
Classification: Uncertain significance for Hereditary cancer-predisposing syndrome. Last evaluated: 2022-05-26. Review status: criteria provided, single submitter. Criteria: Invitae Variant Classification Sherloc (09022015). Collection method: clinical testing. Allele origin: germline.
Comment: In summary, the available evidence is currently insufficient to determine the role of this variant in disease. Therefore, it has been classified as a Variant of Uncertain Significance. Algorithms developed to predict the effect of missense changes on protein structure and function output the following: SIFT: "Deleterious"; PolyPhen-2: "Benign"; Align-GVGD: "Class C15". The isoleucine amino acid residue is found in multiple mammalian species, which suggests that this missense change does not adversely affect protein function. This variant has not been reported in the literature in individuals affected with RAD50-related conditions. This variant is not present in population databases (gnomAD no frequency). This sequence change replaces threonine, which is neutral and polar, with isoleucine, which is neutral and non-polar, at codon 437 of the RAD50 protein (p.Thr437Ile).

NM_005732.4(RAD50):c.1310C>T (p.Thr437Ile)

Gene: RAD50 (RAD50 double strand break repair protein; plus strand). Cytogenetic location: 5q31.1.
Variant type: single nucleotide variant.
Coding change: c.1310C>T on transcript NM_005732.4 (MANE Select); coding-DNA position 1310, C replaced by T.
Protein change: p.Thr437Ile; replaces threonine 437 with isoleucine.
Molecular consequence: missense variant.
Genome position (GRCh38, 1-based): chr5:132,589,695, C>T. VCF-style: chr5-132589695-C-T. GRCh37 (hg19) VCF-style: chr5-131925387-C-T.
Other names: c.1310C>T (NM_005732.3); short protein forms T437I.
Identifiers: ClinVar variation 1976201 (VCV001976201.6), dbSNP rs2149841482, ClinGen allele CA360943776.
Genomic context (GRCh38, chr5:132,589,695, plus strand): 5'-ACTTTGCAGAAAAAGAGACTCTGAAACAAAAACAGATAGATGAGATAAGAGATAAGAAAA[C>T]TGGACTGGGAAGAATAATTGAGTTAAAATCAGAAATCCTAAGTAAGAAGCAGAATGAGCT-3'
Protein context (NP_005723.2, residues 427-447): KQIDEIRDKK[Thr437Ile]GLGRIIELKS